The following is an entry in ClinVar:

ClinVar aggregate classification (germline): Uncertain significance (1 of 4 stars; one submission).

gnomAD v4.1: 4 of 1,601,570 alleles (0.00025%); highest among the groups gnomAD compares: Non-Finnish European, 0.00025%; no homozygotes.

Submission:

Labcorp Genetics (formerly Invitae), Labcorp
Classification: Uncertain significance. Last evaluated: 2025-08-07. Review status: criteria provided, single submitter. Criteria: Invitae Variant Classification Sherloc (09022015). Collection method: clinical testing. Allele origin: germline.
Comment: This sequence change replaces alanine, which is neutral and non-polar, with threonine, which is neutral and polar, at codon 235 of the RPSA protein (p.Ala235Thr). The frequency data for this variant in the population databases is considered unreliable, as metrics indicate poor data quality at this position in the gnomAD database. This variant has not been reported in the literature in individuals affected with RPSA-related conditions. An algorithm developed to predict the effect of missense changes on protein structure and function (PolyPhen-2) suggests that this variant is likely to be tolerated. In summary, the available evidence is currently insufficient to determine the role of this variant in disease. Therefore, it has been classified as a Variant of Uncertain Significance.

NM_002295.6(RPSA):c.703G>A (p.Ala235Thr)

Gene: RPSA (ribosomal protein SA; plus strand). Cytogenetic location: 3p22.1.
Variant type: single nucleotide variant.
Coding change: c.703G>A on transcript NM_002295.6 (MANE Select); coding-DNA position 703, G replaced by A.
Protein change: p.Ala235Thr; replaces alanine 235 with threonine.
Molecular consequence: missense variant.
Genome position (GRCh38, 1-based): chr3:39,411,971, G>A. VCF-style: chr3-39411971-G-A. GRCh37 (hg19) VCF-style: chr3-39453462-G-A.
Other names: c.718G>A, p.Ala240Thr (NM_001304288.2); short protein forms A235T, A240T.
Identifiers: ClinVar variation 4780533 (VCV004780533.1).